The following is an entry in ClinVar:

NM_017636.4(TRPM4):c.2508C>T (p.Gly836=)

Gene: TRPM4 (transient receptor potential cation channel subfamily M member 4; plus strand). Cytogenetic location: 19q13.33.
Variant type: single nucleotide variant.
Coding change: c.2508C>T on transcript NM_017636.4 (MANE Select); coding-DNA position 2508, C replaced by T.
Protein change: p.Gly836=; no amino-acid change (glycine 836 retained).
Molecular consequence: synonymous variant. On other transcripts: intron variant (1).
Genome position (GRCh38, 1-based): chr19:49,196,737, C>T. VCF-style: chr19-49196737-C-T. GRCh37 (hg19) VCF-style: chr19-49699994-C-T.
Other names: c.2163C>T, p.Gly721= (NM_001321281.2); c.900C>T, p.Gly300= (NM_001321282.2); c.1986C>T, p.Gly662= (NM_001321283.2); c.1446C>T, p.Gly482= (NM_001321285.2); c.2211-3563C>T (NM_001195227.2).
Identifiers: ClinVar variation 452690 (VCV000452690.11), dbSNP rs750999263, ClinGen allele CA9569559.
Genomic context (GRCh38, chr19:49,196,737, plus strand): 5'-GCTCTATTTCTGGGCTTTCACGCTGCTGTGCGAGGAACTGCGCCAGGGCCTGAGCGGAGG[C>T]GGGGGCAGCCTCGCCAGCGGGGGCCCCGGGCCTGGCCATGCCTCACTGAGCCAGCGCCTG-3'
Protein context (NP_060106.2, residues 826-846): CEELRQGLSG[Gly836=]GGSLASGGPG

ClinVar aggregate classification (germline): Conflicting classifications of pathogenicity. Review status: criteria provided, conflicting classifications (1 of 4 stars). 4 submissions from 4 submitters: Uncertain significance (1); Likely benign (3). Last evaluated 2026-01-27.

Conditions:
Cardiovascular phenotype. Identifiers: MedGen CN230736.
Progressive familial heart block type IB (PFHB1B). Identifiers: Orphanet 871, MedGen C1970298, MONDO:0011474, OMIM 604559.

Allele frequency attached by ClinVar (database versions not stated): ExAC 0.00005; gnomAD 0.00007; TOPMed 0.00007; gnomAD exomes 0.00010 and 0.00025.
gnomAD v4.1: 346 of 1,550,030 alleles (0.022%); highest among the groups gnomAD compares: Non-Finnish European, 0.029%; 1 homozygote.

Submissions (4):

Labcorp Genetics (formerly Invitae), Labcorp
Classification: Likely benign for Progressive familial heart block type IB. Last evaluated: 2026-01-27. Review status: criteria provided, single submitter. Criteria: Invitae Variant Classification Sherloc (09022015). Collection method: clinical testing. Allele origin: germline.

Blueprint Genetics
Classification: Likely benign. Last evaluated: 2023-06-29. Review status: criteria provided, single submitter. Criteria: ACMG Guidelines, 2015. Collection method: clinical testing. Allele origin: germline.

GeneDx
Classification: Uncertain significance. Last evaluated: 2020-10-30. Review status: criteria provided, single submitter. Criteria: GeneDx Variant Classification Process June 2021. Collection method: clinical testing. Allele origin: germline. Affected: yes.
Comment: In silico analysis, which includes splice predictors and evolutionary conservation, suggests this variant may impact gene splicing. In the absence of RNA/functional studies, the actual effect of this sequence change is unknown.; This variant is associated with the following publications: (PMID: 30847666)

Ambry Genetics
Classification: Likely benign for Cardiovascular phenotype. Last evaluated: 2020-10-26. Review status: criteria provided, single submitter. Criteria: Ambry Variant Classification Scheme 2023. Collection method: clinical testing. Allele origin: germline.